The following is an entry in ClinVar:

NM_001211.6(BUB1B):c.2316C>G (p.Tyr772Ter)

Gene: BUB1B (BUB1 mitotic checkpoint serine/threonine kinase B; plus strand). Cytogenetic location: 15q15.1.
Variant type: single nucleotide variant.
Coding change: c.2316C>G on transcript NM_001211.6 (MANE Select); coding-DNA position 2316, C replaced by G.
Protein change: p.Tyr772Ter; replaces tyrosine 772 with a stop codon.
Molecular consequence: nonsense.
Genome position (GRCh38, 1-based): chr15:40,210,141, C>G. VCF-style: chr15-40210141-C-G. GRCh37 (hg19) VCF-style: chr15-40502342-C-G.
Other names: short protein forms Y772*.
Identifiers: ClinVar variation 639058 (VCV000639058.8), dbSNP rs1595533765, ClinGen allele CA391694896.

ClinVar aggregate classification (germline): Pathogenic (1 of 4 stars; one submission).

Conditions:
Mosaic variegated aneuploidy syndrome 1 (MVA1). Also called: Warburton-Anyane-Yeboa syndrome. Identifiers: Orphanet 1052, MedGen C1850343, MONDO:0009759, OMIM 257300.

Submission:

Labcorp Genetics (formerly Invitae), Labcorp
Classification: Pathogenic for Mosaic variegated aneuploidy syndrome 1. Last evaluated: 2018-07-26. Review status: criteria provided, single submitter. Criteria: Invitae Variant Classification Sherloc (09022015). Collection method: clinical testing. Allele origin: germline.
Comment: This sequence change creates a premature translational stop signal (p.Tyr772*) in the BUB1B gene. It is expected to result in an absent or disrupted protein product. This variant is not present in population databases (ExAC no frequency). This variant has not been reported in the literature in individuals with BUB1B-related disease. Loss-of-function variants in BUB1B are known to be pathogenic (PMID: 15475955, 21190457). For these reasons, this variant has been classified as Pathogenic.

Literature cited by the submitters: PubMed 15475955; PubMed 21190457.